The following is an entry in ClinVar:

NM_000053.4(ATP7B):c.2567T>C (p.Leu856Pro)

Gene: ATP7B (ATPase copper transporting beta; minus strand). Cytogenetic location: 13q14.3.
Variant type: single nucleotide variant.
Coding change: c.2567T>C on transcript NM_000053.4 (MANE Select); coding-DNA position 2567, T replaced by C.
Protein change: p.Leu856Pro; replaces leucine 856 with proline.
Molecular consequence: missense variant. On other transcripts: intron variant (1).
Genome position (GRCh38, 1-based): chr13:51,950,280, A>G on the plus strand (T>C on the coding strand, the complement: ATP7B is on the minus strand). VCF-style: chr13-51950280-A-G. GRCh37 (hg19) VCF-style: chr13-52524416-A-G.
Other names: c.2081T>C, p.Leu694Pro (NM_001005918.3, NM_001406541.1, NM_001406542.1 and 1 more transcripts); c.2234T>C, p.Leu745Pro (NM_001243182.2); c.2333T>C, p.Leu778Pro (NM_001330578.2, NM_001406534.1, NM_001406538.1 and 2 more transcripts); c.2315T>C, p.Leu772Pro (NM_001330579.2, NM_001406532.1, NM_001406540.1 and 1 more transcripts); c.2567T>C, p.Leu856Pro (NM_001406511.1, NM_001406512.1, NM_001406513.1 and 7 more transcripts); c.2534T>C, p.Leu845Pro (NM_001406514.1); c.2471T>C, p.Leu824Pro (NM_001406517.1, NM_001406518.1); c.2423T>C, p.Leu808Pro (NM_001406520.1, NM_001406537.1, NM_001406521.1 and 1 more transcripts); and 8 more; short protein forms L640P, L662P, L694P, L713P, L740P, L745P, L746P, L772P.
Identifiers: ClinVar variation 4758254 (VCV004758254.1).

ClinVar aggregate classification (germline): Uncertain significance (1 of 4 stars; one submission).

Conditions:
Wilson disease (WND). Also called: Wilson's disease. Identifiers: Orphanet 905, MedGen C0019202, MONDO:0010200, OMIM 277900. Disease mechanism: loss of function.

gnomAD v4.1: 2 of 1,614,194 alleles (0.00012%); highest among the groups gnomAD compares: Non-Finnish European, 0.00017%; no homozygotes.

Submission:

Color Diagnostics, LLC DBA Color Health
Classification: Uncertain significance for Wilson disease. Last evaluated: 2025-10-09. Review status: criteria provided, single submitter. Criteria: ACMG Guidelines, 2015. Collection method: clinical testing. Allele origin: germline.
Comment: This missense variant replaces leucine with proline at codon 856 of the ATP7B protein. Computational prediction suggests that this variant may have deleterious impact on protein structure and function. To our knowledge, functional studies have not been reported for this variant. This variant has not been reported in individuals affected with ATP7B-related disorders in the literature. This variant has been identified in 2/1461890 chromosomes in the general population by the Genome Aggregation Database (gnomAD). The available evidence is insufficient to determine the role of this variant in disease conclusively. Therefore, this variant is classified as a Variant of Uncertain Significance.